The following is an entry in ClinVar:

NM_016222.4(DDX41):c.936C>T (p.His312=)

Gene: DDX41 (DEAD-box helicase 41; minus strand). Cytogenetic location: 5q35.3.
Variant type: single nucleotide variant.
Coding change: c.936C>T on transcript NM_016222.4 (MANE Select); coding-DNA position 936, C replaced by T.
Protein change: p.His312=; no amino-acid change (histidine 312 retained).
Molecular consequence: synonymous variant.
Genome position (GRCh38, 1-based): chr5:177,513,847, G>A on the plus strand (C>T on the coding strand, the complement: DDX41 is on the minus strand). VCF-style: chr5-177513847-G-A. GRCh37 (hg19) VCF-style: chr5-176940848-G-A.
Other names: c.558C>T, p.His186= (NM_001321732.2, NM_001321830.2).
Identifiers: ClinVar variation 3500513 (VCV003500513.3).
Genomic context (GRCh38, chr5:177,513,847, plus strand): 5'-CATCTTCTTCTGCAGCAAATCCATGAGGCGCCCCGGGGTGGCCACCATCATGTGTACACC[G>A]CTGGGGACCAAGGAGAGACCCTGAGGTTGGGGCCACTGGCCTATCACCTATCTAGAGGCA-3'
Protein context (NP_057306.2, residues 302-322): SVKEQMETIR[His312=]GVHMMVATPG

ClinVar aggregate classification (germline): Conflicting classifications of pathogenicity. Review status: criteria provided, conflicting classifications (1 of 4 stars). 2 submissions from 2 submitters: Uncertain significance (1); Likely benign (1). Last evaluated 2024-11-24.

Conditions:
Inborn genetic diseases. Identifiers: MedGen C0950123, MeSH D030342.

gnomAD v4.1: 21 of 1,613,260 alleles (0.0013%); highest among the groups gnomAD compares: African/African-American, 0.004%; no homozygotes.

Submissions (2):

Labcorp Genetics (formerly Invitae), Labcorp
Classification: Uncertain significance. Last evaluated: 2024-11-24. Review status: criteria provided, single submitter. Criteria: Invitae Variant Classification Sherloc (09022015). Collection method: clinical testing. Allele origin: germline.
Comment: This sequence change affects codon 312 of the DDX41 mRNA. It is a 'silent' change, meaning that it does not change the encoded amino acid sequence of the DDX41 protein. It affects a nucleotide within the consensus splice site. The frequency data for this variant in the population databases is considered unreliable, as metrics indicate poor data quality at this position in the gnomAD database. This variant has not been reported in the literature in individuals affected with DDX41-related conditions. Algorithms developed to predict the effect of sequence changes on RNA splicing suggest that this variant is not likely to affect RNA splicing. In summary, the available evidence is currently insufficient to determine the role of this variant in disease. Therefore, it has been classified as a Variant of Uncertain Significance.

Ambry Genetics
Classification: Likely benign for Inborn genetic diseases. Last evaluated: 2024-11-21. Review status: criteria provided, single submitter. Criteria: Ambry Variant Classification Scheme 2023. Collection method: clinical testing. Allele origin: germline.